The following is an entry in ClinVar:

ClinVar aggregate classification (germline): Likely benign. Review status: criteria provided, multiple submitters, no conflicts (2 of 4 stars). 2 submissions from 2 submitters: Likely benign (2). Last evaluated 2026-01-21.

Allele frequency attached by ClinVar (database versions not stated): gnomAD exomes below 0.00001; ExAC 0.00001; gnomAD 0.00004; TOPMed 0.00004.
gnomAD v4.1: 16 of 1,613,912 alleles (0.00099%); highest among the groups gnomAD compares: African/African-American, 0.012%; no homozygotes.

Submissions (2):

Labcorp Genetics (formerly Invitae), Labcorp
Classification: Likely benign. Last evaluated: 2026-01-21. Review status: criteria provided, single submitter. Criteria: Invitae Variant Classification Sherloc (09022015). Collection method: clinical testing. Allele origin: germline.

CeGaT Center for Human Genetics Tuebingen
Classification: Likely benign. Last evaluated: 2025-09-01. Review status: criteria provided, single submitter. Criteria: CeGaT Center For Human Genetics Tuebingen Variant Classification Criteria Version 2. Collection method: clinical testing. Allele origin: germline. Affected: yes. Observed: 1 variant allele.
Comment: HK1: BP4, BP7

NM_000188.3(HK1):c.2715G>A (p.Thr905=)

Gene: HK1 (hexokinase 1; plus strand). Cytogenetic location: 10q22.1.
Variant type: single nucleotide variant.
Coding change: c.2715G>A on transcript NM_000188.3 (MANE Select); coding-DNA position 2715, G replaced by A.
Protein change: p.Thr905=; no amino-acid change (threonine 905 retained).
Molecular consequence: synonymous variant.
Genome position (GRCh38, 1-based): chr10:69,401,096, G>A. VCF-style: chr10-69401096-G-A. GRCh37 (hg19) VCF-style: chr10-71160852-G-A.
Other names: c.2727G>A, p.Thr909= (NM_001322364.2, NM_001358263.1, NM_033497.3 and 1 more transcripts); c.2820G>A, p.Thr940= (NM_001322365.2); c.2631G>A, p.Thr877= (NM_001322366.1); c.2619G>A, p.Thr873= (NM_001322367.1); c.2712G>A, p.Thr904= (NM_033496.3); c.2679G>A, p.Thr893= (NM_033500.2).
Identifiers: ClinVar variation 1013759 (VCV001013759.15), dbSNP rs770591927, ClinGen allele CA5532920.